The following is an entry in ClinVar:

ClinVar aggregate classification (germline): Uncertain significance. Review status: criteria provided, multiple submitters, no conflicts (2 of 4 stars). 2 submissions from 2 submitters: Uncertain significance (2). Last evaluated 2024-12-09.

Conditions:
Hereditary nonpolyposis colorectal neoplasms. Identifiers: MedGen C0009405, MeSH D003123.
Hereditary cancer-predisposing syndrome. Also called: Tumor predisposition; Hereditary Cancer Syndrome; Hereditary neoplastic syndrome; Neoplastic Syndromes, Hereditary. Identifiers: Orphanet 140162, MedGen C0027672, MeSH D009386, MONDO:0015356.

Submissions (2):

Labcorp Genetics (formerly Invitae), Labcorp
Classification: Uncertain significance for Hereditary nonpolyposis colorectal neoplasms. Last evaluated: 2024-12-09. Review status: criteria provided, single submitter. Criteria: Invitae Variant Classification Sherloc (09022015). Collection method: clinical testing. Allele origin: germline.
Comment: This sequence change replaces leucine, which is neutral and non-polar, with arginine, which is basic and polar, at codon 33 of the PMS2 protein (p.Leu33Arg). This variant is not present in population databases (gnomAD no frequency). This variant has not been reported in the literature in individuals affected with PMS2-related conditions. ClinVar contains an entry for this variant (Variation ID: 486051). Invitae Evidence Modeling incorporating data from in vitro experimental studies (internal data) indicates that this missense variant is not expected to disrupt PMS2 function with a negative predictive value of 95%. In summary, the available evidence is currently insufficient to determine the role of this variant in disease. Therefore, it has been classified as a Variant of Uncertain Significance.

Ambry Genetics
Classification: Uncertain significance for Hereditary cancer-predisposing syndrome. Last evaluated: 2018-07-12. Review status: criteria provided, single submitter. Criteria: Ambry Variant Classification Scheme 2023. Collection method: clinical testing. Allele origin: germline.
Comment: The p.L33R variant (also known as c.98T>G), located in coding exon 2 of the PMS2 gene, results from a T to G substitution at nucleotide position 98. The leucine at codon 33 is replaced by arginine, an amino acid with dissimilar properties. This amino acid position is highly conserved in available vertebrate species. In addition, this alteration is predicted to be deleterious by in silico analysis. Since supporting evidence is limited at this time, the clinical significance of this alteration remains unclear.

NM_000535.7(PMS2):c.98T>G (p.Leu33Arg)

Gene: PMS2 (PMS1 homolog 2, mismatch repair system component; minus strand). Cytogenetic location: 7p22.1.
Variant type: single nucleotide variant.
Coding change: c.98T>G on transcript NM_000535.7 (MANE Select); coding-DNA position 98, T replaced by G.
Protein change: p.Leu33Arg; replaces leucine 33 with arginine.
Molecular consequence: missense variant. On other transcripts: 5 prime UTR variant (8), non-coding transcript variant (1), intron variant (3).
Genome position (GRCh38, 1-based): chr7:6,005,957, A>C on the plus strand (T>G on the coding strand, the complement: PMS2 is on the minus strand). VCF-style: chr7-6005957-A-C. GRCh37 (hg19) VCF-style: chr7-6045588-A-C.
Other names: c.-308T>G (NM_001322003.2, NM_001322005.2, NM_001322009.2 and 1 more transcripts); c.98T>G, p.Leu33Arg (NM_001322006.2, NM_001322014.2); c.-118T>G (NM_001322007.2); c.-787T>G (NM_001322011.2, NM_001322012.2); c.-387T>G (NM_001322015.2); c.-52-1899T>G (NM_001322008.2); c.-242-1899T>G (NM_001322010.2, NM_001322004.2); short protein forms L33R.
Identifiers: ClinVar variation 486051 (VCV000486051.7), dbSNP rs1554306467, ClinGen allele CA366745067.